The following is an entry in ClinVar:

ClinVar aggregate classification (germline): Uncertain significance. Review status: criteria provided, multiple submitters, no conflicts (2 of 4 stars). 2 submissions from 2 submitters: Uncertain significance (2). Last evaluated 2025-07-31.

Conditions:
Pheochromocytoma/paraganglioma syndrome 5. Also called: Paragangliomas 5; SDHA-Related Hereditary Paraganglioma-Pheochromocytoma Syndrome. Identifiers: Orphanet 29072, MedGen C3279992, MONDO:0013602, OMIM 614165.
Mitochondrial complex II deficiency, nuclear type 1. Also called: SUCCINATE CoQ REDUCTASE DEFICIENCY. Identifiers: Orphanet 3208, MedGen C5700310, MONDO:0100294, OMIM 252011.
Hereditary cancer-predisposing syndrome. Also called: Hereditary Cancer Syndrome; Hereditary neoplastic syndrome; Neoplastic Syndromes, Hereditary; Tumor predisposition. Identifiers: Orphanet 140162, MedGen C0027672, MeSH D009386, MONDO:0015356.

Submissions (2):

Ambry Genetics
Classification: Uncertain significance for Hereditary cancer-predisposing syndrome. Last evaluated: 2025-07-31. Review status: criteria provided, single submitter. Criteria: Ambry Variant Classification Scheme 2023. Collection method: clinical testing. Allele origin: germline.
Comment: The p.G84R variant (also known as c.250G>C), located in coding exon 3 of the SDHA gene, results from a G to C substitution at nucleotide position 250. The glycine at codon 84 is replaced by arginine, an amino acid with dissimilar properties. This amino acid position is conserved. In addition, this alteration is predicted to be deleterious by in silico analysis. Based on the available evidence, the clinical significance of this variant remains unclear.

Labcorp Genetics (formerly Invitae), Labcorp
Classification: Uncertain significance for Pheochromocytoma/paraganglioma syndrome 5; Mitochondrial complex II deficiency, nuclear type 1. Last evaluated: 2022-05-22. Review status: criteria provided, single submitter. Criteria: Invitae Variant Classification Sherloc (09022015). Collection method: clinical testing. Allele origin: germline.
Comment: In summary, the available evidence is currently insufficient to determine the role of this variant in disease. Therefore, it has been classified as a Variant of Uncertain Significance. Algorithms developed to predict the effect of missense changes on protein structure and function (SIFT, PolyPhen-2, Align-GVGD) all suggest that this variant is likely to be disruptive. This variant has not been reported in the literature in individuals affected with SDHA-related conditions. This variant is not present in population databases (gnomAD no frequency). This sequence change replaces glycine, which is neutral and non-polar, with arginine, which is basic and polar, at codon 84 of the SDHA protein (p.Gly84Arg).

NM_004168.4(SDHA):c.250G>C (p.Gly84Arg)

Gene: SDHA (succinate dehydrogenase complex flavoprotein subunit A; plus strand). Cytogenetic location: 5p15.33.
Variant type: single nucleotide variant.
Coding change: c.250G>C on transcript NM_004168.4 (MANE Select); coding-DNA position 250, G replaced by C.
Protein change: p.Gly84Arg; replaces glycine 84 with arginine.
Molecular consequence: missense variant.
Genome position (GRCh38, 1-based): chr5:224,459, G>C. VCF-style: chr5-224459-G-C. GRCh37 (hg19) VCF-style: chr5-224574-G-C.
Other names: c.250G>C (NM_004168.2); c.250G>C, p.Gly84Arg (NM_001294332.2, NM_001330758.2); short protein forms G84R.
Identifiers: ClinVar variation 1997965 (VCV001997965.5), dbSNP rs2126542993, ClinGen allele CA359008571.